The following is an entry in ClinVar:

ClinVar aggregate classification (germline): Uncertain significance (1 of 4 stars; one submission).

Conditions:
JAG1-related disorder. Also called: JAG1-related condition; JAG1-related disorders.

gnomAD v4.1: 8 of 1,611,442 alleles (0.0005%); highest among the groups gnomAD compares: Non-Finnish European, 0.00068%; no homozygotes.

Submission:

PreventionGenetics, part of Exact Sciences
Classification: Uncertain significance for JAG1-related condition. Last evaluated: 2025-02-28. Review status: criteria provided, single submitter. Criteria: ACMG Guidelines, 2015. Collection method: clinical testing. Allele origin: germline.
Comment: The JAG1 c.2543C>T variant is predicted to result in the amino acid substitution p.Pro848Leu. To our knowledge, this variant has not been reported in the literature or in a large population database (gnomAD), indicating this variant is rare. At this time, the clinical significance of this variant is uncertain due to the absence of conclusive functional and genetic evidence.

NM_000214.3(JAG1):c.2543C>T (p.Pro848Leu)

Gene: JAG1 (jagged canonical Notch ligand 1; minus strand). Cytogenetic location: 20p12.2.
Variant type: single nucleotide variant.
Coding change: c.2543C>T on transcript NM_000214.3 (MANE Select); coding-DNA position 2543, C replaced by T.
Protein change: p.Pro848Leu; replaces proline 848 with leucine.
Molecular consequence: missense variant.
Genome position (GRCh38, 1-based): chr20:10,642,517, G>A on the plus strand (C>T on the coding strand, the complement: JAG1 is on the minus strand). VCF-style: chr20-10642517-G-A. GRCh37 (hg19) VCF-style: chr20-10623165-G-A.
Other names: short protein forms P848L.
Identifiers: ClinVar variation 4982952 (VCV004982952.1).
Genomic context (GRCh38, chr20:10,642,517, plus strand): 5'-CCCATGGGCAGCTGAAGCCTGGCACACATACCTTCCTGGCACTTGGCACCACTGTGCCCT[G>A]GAGGGCAGACACACCGGTAGCCATTGATCTCATCCACACAGGTCGCTCCAAAGGCACAAG-3'
Protein context (NP_000205.1, residues 838-858): EINGYRCVCP[Pro848Leu]GHSGAKCQEV